The following is an entry in ClinVar:

NM_001164688.2(RD3):c.84G>A (p.Thr28=)

Gene: RD3 (RD3 regulator of GUCY2D; minus strand). Cytogenetic location: 1q32.3.
Variant type: single nucleotide variant.
Coding change: c.84G>A on transcript NM_001164688.2 (MANE Select); coding-DNA position 84, G replaced by A.
Protein change: p.Thr28=; no amino-acid change (threonine 28 retained).
Molecular consequence: synonymous variant.
Genome position (GRCh38, 1-based): chr1:211,481,332, C>T on the plus strand (G>A on the coding strand, the complement: RD3 is on the minus strand). VCF-style: chr1-211481332-C-T. GRCh37 (hg19) VCF-style: chr1-211654674-C-T.
Other names: c.84G>A, p.Thr28= (NM_183059.3).
Identifiers: ClinVar variation 707694 (VCV000707694.22), dbSNP rs61740158, ClinGen allele CA1381160.

ClinVar aggregate classification (germline): Benign. Review status: criteria provided, multiple submitters, no conflicts (2 of 4 stars). 4 submissions from 4 submitters: Benign (4). Last evaluated 2026-01-31.

Conditions:
Leber congenital amaurosis 12 (LCA12). Identifiers: Orphanet 65, MedGen C1857743, MONDO:0012525, OMIM 610612.

Allele frequency attached by ClinVar (database versions not stated): gnomAD exomes 0.00100 and 0.00238; ExAC 0.00297; gnomAD 0.00880 and 0.00932; ESP Exome Variant Server 0.00923; 1000 Genomes Project 30x 0.00953; 1000 Genomes Project 0.00958; TOPMed 0.01002.
gnomAD v4.1: 2,906 of 1,614,184 alleles (0.18%); highest among the groups gnomAD compares: African/African-American, 3%; 48 homozygotes.

Submissions (4):

Labcorp Genetics (formerly Invitae), Labcorp
Classification: Benign for Leber congenital amaurosis 12. Last evaluated: 2026-01-31. Review status: criteria provided, single submitter. Criteria: Invitae Variant Classification Sherloc (09022015). Collection method: clinical testing. Allele origin: germline.

ARUP Laboratories, Molecular Genetics and Genomics, ARUP Laboratories
Classification: Benign for Leber congenital amaurosis 12. Last evaluated: 2023-11-29. Review status: criteria provided, single submitter. Criteria: ARUP Molecular Germline Variant Investigation Process 2024. Collection method: clinical testing. Allele origin: germline.

Illumina Laboratory Services, Illumina
Classification: Benign for Leber congenital amaurosis 12. Last evaluated: 2017-04-27. Review status: criteria provided, single submitter. Criteria: ICSL Variant Classification Criteria 13 December 2019. Collection method: clinical testing. Allele origin: germline.
Comment: This variant was observed as part of a predisposition screen in an ostensibly healthy population. A literature search was performed for the gene, cDNA change, and amino acid change (where applicable). Publications were found based on this search. The evidence from the literature, in combination with allele frequency data from public databases where available, was sufficient to rule this variant out of causing disease. Therefore, this variant is classified as benign.

Breakthrough Genomics
Classification: Benign. Review status: criteria provided, single submitter. Criteria: ACMG Guidelines, 2015. Collection method: not provided. Allele origin: germline. Inheritance: Autosomal recessive inheritance. Affected: yes.

Literature cited by the submitters: PubMed 17186464 (cited by Illumina Laboratory Services, Illumina).